The following is an entry in ClinVar:

NM_007194.4(CHEK2):c.1250_1258delinsATCTTTTATCG (p.Leu417fs)

Gene: CHEK2 (checkpoint kinase 2; minus strand). Cytogenetic location: 22q12.1.
Variant type: Indel.
Coding change: c.1250_1258delinsATCTTTTATCG on transcript NM_007194.4 (MANE Select); coding-DNA positions 1250 to 1258, TTTTTATCT replaced by ATCTTTTATCG.
Protein change: p.Leu417fs; shifts the reading frame from leucine 417.
Molecular consequence: frameshift variant.
Genome position (GRCh38, 1-based): chr22:28,695,711-28,695,719, AGATAAAAA replaced by CGATAAAAGAT on the plus strand (TTTTTATCT replaced by ATCTTTTATCG on the coding strand, the reverse complement: CHEK2 is on the minus strand). VCF-style: chr22-28695711-AGATAAAAA-CGATAAAAGAT. GRCh37 (hg19) VCF-style: chr22-29091699-AGATAAAAA-CGATAAAAGAT.
Other names: c.1379_1387delTTTTTATCTinsATCTTTTATCG, p.Leu460Hisfs (NM_001005735.3); c.587_595delTTTTTATCTinsATCTTTTATCG, p.Leu196Hisfs (NM_001257387.3); c.1049_1057delTTTTTATCTinsATCTTTTATCG, p.Leu350Hisfs (NM_001349956.3); c.1163_1171delTTTTTATCTinsATCTTTTATCG, p.Leu388Hisfs (NM_145862.3); short protein forms L196fs, L388fs, L350fs, L460fs, L417fs.
Identifiers: ClinVar variation 2094521 (VCV002094521.4), dbSNP rs2517803682, ClinGen allele CA2580099467.
Genomic context (GRCh38, chr22:28,695,711, plus strand): 5'-TTTGTGACTTCATCTAATCACCTCCTACCAGTCTGTGCAGCAATGAAAATATTTCTTACC[AGATAAAAA>CGATAAAAGAT]GAATAACTCCTAAACTCCAGCAGTCCACAGCACGGTTATACCCAGCAGTCCCAACAGAAA-3'

ClinVar aggregate classification (germline): Pathogenic (1 of 4 stars; one submission).

Conditions:
Familial cancer of breast. Also called: Hereditary breast cancer; BREAST CANCER, FAMILIAL; hereditary breast carcinoma. Identifiers: Orphanet 227535, MedGen C0346153, MONDO:0016419, OMIM 114480. Disease mechanism: loss of function.

Submission:

Labcorp Genetics (formerly Invitae), Labcorp
Classification: Pathogenic for Familial cancer of breast. Last evaluated: 2022-11-08. Review status: criteria provided, single submitter. Criteria: Invitae Variant Classification Sherloc (09022015). Collection method: clinical testing. Allele origin: germline.
Comment: For these reasons, this variant has been classified as Pathogenic. This variant has not been reported in the literature in individuals affected with CHEK2-related conditions. This variant is not present in population databases (gnomAD no frequency). This sequence change creates a premature translational stop signal (p.Leu417Hisfs*21) in the CHEK2 gene. It is expected to result in an absent or disrupted protein product. Loss-of-function variants in CHEK2 are known to be pathogenic (PMID: 21876083, 24713400).

Literature cited by the submitters: PubMed 21876083; PubMed 24713400.